The following is an entry in ClinVar:

ClinVar aggregate classification (germline): Uncertain significance (1 of 4 stars; one submission).

Conditions:
Hereditary cancer-predisposing syndrome. Also called: Hereditary neoplastic syndrome; Neoplastic Syndromes, Hereditary; Tumor predisposition; Hereditary Cancer Syndrome. Identifiers: Orphanet 140162, MedGen C0027672, MeSH D009386, MONDO:0015356.

Submission:

Ambry Genetics
Classification: Uncertain significance for Hereditary cancer-predisposing syndrome. Last evaluated: 2025-08-27. Review status: criteria provided, single submitter. Criteria: Ambry Variant Classification Scheme 2023. Collection method: clinical testing. Allele origin: germline.
Comment: The p.S255R variant (also known as c.763A>C), located in coding exon 9 of the MUTYH gene, results from an A to C substitution at nucleotide position 763. The serine at codon 255 is replaced by arginine, an amino acid with dissimilar properties. This amino acid position is conserved. In addition, this alteration is predicted to be tolerated by in silico analysis. Based on the available evidence, the clinical significance of this variant remains unclear.

NM_001048174.2(MUTYH):c.679A>C (p.Ser227Arg)

Gene: MUTYH (mutY DNA glycosylase; minus strand). Cytogenetic location: 1p34.1.
Variant type: single nucleotide variant.
Coding change: c.679A>C on transcript NM_001048174.2 (MANE Select); coding-DNA position 679, A replaced by C.
Protein change: p.Ser227Arg; replaces serine 227 with arginine.
Molecular consequence: missense variant. On other transcripts: non-coding transcript variant (7).
Genome position (GRCh38, 1-based): chr1:45,332,416, T>G on the plus strand (A>C on the coding strand, the complement: MUTYH is on the minus strand). VCF-style: chr1-45332416-T-G. GRCh37 (hg19) VCF-style: chr1-45798088-T-G.
Other names: c.724A>C, p.Ser242Arg (NM_001293190.2); c.712A>C, p.Ser238Arg (NM_001293191.2, NM_001407069.1, NM_001407077.1); c.403A>C, p.Ser135Arg (NM_001293192.2, NM_001293196.2, NM_001407091.1); c.679A>C, p.Ser227Arg (NM_001293195.2, NM_001407070.1, NM_001407088.1 and 6 more transcripts); c.334A>C, p.Ser112Arg (NM_001350650.2, NM_001350651.2, NM_001407082.1); c.721A>C, p.Ser241Arg (NM_001407083.1, NM_001407085.1); c.682A>C, p.Ser228Arg (NM_001407086.1, NM_001048172.2, NM_001407071.1 and 1 more transcripts); c.700A>C, p.Ser234Arg (NM_001407087.1); and 5 more; short protein forms S112R, S242R, S227R, S238R, S213R, S214R, S252R, S255R.
Identifiers: ClinVar variation 4113815 (VCV004113815.1).